The following is an entry in ClinVar:

ClinVar aggregate classification (germline): Likely benign. Review status: criteria provided, multiple submitters, no conflicts (2 of 4 stars). 3 submissions from 3 submitters: Likely benign (3). Last evaluated 2025-09-21.

Conditions:
Wilson disease (WND). Also called: Wilson's disease. Identifiers: Orphanet 905, MedGen C0019202, MONDO:0010200, OMIM 277900. Disease mechanism: loss of function.

Allele frequency attached by ClinVar (database versions not stated): gnomAD exomes below 0.00001; gnomAD 0.00001; TOPMed 0.00001.
gnomAD v4.1: 4 of 1,614,066 alleles (0.00025%); highest among the groups gnomAD compares: Admixed American, 0.0017%; no homozygotes.

Submissions (3):

Labcorp Genetics (formerly Invitae), Labcorp
Classification: Likely benign for Wilson disease. Last evaluated: 2025-09-21. Review status: criteria provided, single submitter. Criteria: Invitae Variant Classification Sherloc (09022015). Collection method: clinical testing. Allele origin: germline.

All of Us Research Program, National Institutes of Health
Classification: Likely benign for Wilson disease. Last evaluated: 2023-11-30. Review status: criteria provided, single submitter. Criteria: ACMG Guidelines, 2015. Collection method: clinical testing. Allele origin: germline. Inheritance: Autosomal recessive inheritance. Observed: 3 variant alleles, 3 heterozygotes.
Comment: This study involves interpretation of variants in research participants for the purpose of population health screening. Participant phenotype was not available at the time of variant classification. Additional details can be found in publication PMID: 35346344, PMCID: PMC8962531

Color Diagnostics, LLC DBA Color Health
Classification: Likely benign for Wilson disease. Last evaluated: 2022-04-28. Review status: criteria provided, single submitter. Criteria: ACMG Guidelines, 2015. Collection method: clinical testing. Allele origin: germline.

NM_000053.4(ATP7B):c.3183G>T (p.Gly1061=)

Gene: ATP7B (ATPase copper transporting beta; minus strand). Cytogenetic location: 13q14.3.
Variant type: single nucleotide variant.
Coding change: c.3183G>T on transcript NM_000053.4 (MANE Select); coding-DNA position 3183, G replaced by T.
Protein change: p.Gly1061=; no amino-acid change (glycine 1061 retained).
Molecular consequence: synonymous variant.
Genome position (GRCh38, 1-based): chr13:51,944,169, C>A on the plus strand (G>T on the coding strand, the complement: ATP7B is on the minus strand). VCF-style: chr13-51944169-C-A. GRCh37 (hg19) VCF-style: chr13-52518305-C-A.
Other names: c.2562G>T, p.Gly854= (NM_001005918.3); c.2850G>T, p.Gly950= (NM_001243182.2); c.2949G>T, p.Gly983= (NM_001330578.2); c.2931G>T, p.Gly977= (NM_001330579.2).
Identifiers: ClinVar variation 1426796 (VCV001426796.7), dbSNP rs994398327, ClinGen allele CA250080102.